The following is an entry in ClinVar:

ClinVar aggregate classification (germline): Conflicting classifications of pathogenicity. Review status: criteria provided, conflicting classifications (1 of 4 stars). 4 submissions from 4 submitters: Uncertain significance (3); Likely benign (1). Last evaluated 2026-09-25.

Conditions:
Hereditary cancer-predisposing syndrome. Also called: Neoplastic Syndromes, Hereditary; Tumor predisposition; Hereditary Cancer Syndrome; Hereditary neoplastic syndrome. Identifiers: Orphanet 140162, MedGen C0027672, MeSH D009386, MONDO:0015356.
Rhabdoid tumor predisposition syndrome 2 (RTPS2). Identifiers: Orphanet 231108, Orphanet 69077, MedGen C2750074, MONDO:0013224, OMIM 613325.

Allele frequency attached by ClinVar (database versions not stated): gnomAD exomes below 0.00001.

Submissions (4):

GeneDx
Classification: Uncertain significance. Last evaluated: 2026-09-25. Review status: criteria provided, single submitter. Criteria: GeneDx Variant Classification Process June 2021. Collection method: clinical testing. Allele origin: germline.
Comment: Not observed at significant frequency in large population cohorts (gnomAD); In silico analysis suggests that this missense variant does not alter protein structure/function; Has not been previously published as pathogenic or benign to our knowledge; This variant is associated with the following publications: (PMID: 24658002)

Labcorp Genetics (formerly Invitae), Labcorp
Classification: Uncertain significance for Rhabdoid tumor predisposition syndrome 2. Last evaluated: 2025-09-27. Review status: criteria provided, single submitter. Criteria: Invitae Variant Classification Sherloc (09022015). Collection method: clinical testing. Allele origin: germline.
Comment: This sequence change replaces methionine, which is neutral and non-polar, with valine, which is neutral and non-polar, at codon 185 of the SMARCA4 protein (p.Met185Val). This variant is not present in population databases (gnomAD no frequency). This variant has not been reported in the literature in individuals affected with SMARCA4-related conditions. ClinVar contains an entry for this variant (Variation ID: 582073). Invitae Evidence Modeling of protein sequence and biophysical properties (such as structural, functional, and spatial information, amino acid conservation, physicochemical variation, residue mobility, and thermodynamic stability) indicates that this missense variant is not expected to disrupt SMARCA4 protein function with a negative predictive value of 95%. In summary, the available evidence is currently insufficient to determine the role of this variant in disease. Therefore, it has been classified as a Variant of Uncertain Significance.

Ambry Genetics
Classification: Likely benign for Hereditary cancer-predisposing syndrome. Last evaluated: 2024-03-27. Review status: criteria provided, single submitter. Criteria: Ambry Variant Classification Scheme 2023. Collection method: clinical testing. Allele origin: germline.

Baylor Genetics
Classification: Uncertain significance for Rhabdoid tumor predisposition syndrome 2. Last evaluated: 2024-03-25. Review status: criteria provided, single submitter. Criteria: ACMG Guidelines, 2015. Collection method: clinical testing. Allele origin: unknown.

NM_003072.5(SMARCA4):c.553A>G (p.Met185Val)

Gene: SMARCA4 (SWI/SNF related BAF chromatin remodeling complex subunit ATPase 4; plus strand). Cytogenetic location: 19p13.2.
Variant type: single nucleotide variant.
Coding change: c.553A>G on transcript NM_003072.5 (MANE Select); coding-DNA position 553, A replaced by G.
Protein change: p.Met185Val; replaces methionine 185 with valine.
Molecular consequence: missense variant. On other transcripts: non-coding transcript variant (1).
Genome position (GRCh38, 1-based): chr19:10,986,386, A>G. VCF-style: chr19-10986386-A-G. GRCh37 (hg19) VCF-style: chr19-11097062-A-G.
Other names: c.553A>G, p.Met185Val (NM_001128844.3, NM_001128845.2, NM_001128846.2 and 5 more transcripts); short protein forms M185V.
Identifiers: ClinVar variation 582073 (VCV000582073.16), dbSNP rs1568422504, ClinGen allele CA404056357.